The following is an entry in ClinVar:

ClinVar aggregate classification (germline): Likely pathogenic (1 of 4 stars; one submission).

Submission:

Labcorp Genetics (formerly Invitae), Labcorp
Classification: Likely pathogenic. Last evaluated: 2024-04-10. Review status: criteria provided, single submitter. Criteria: Invitae Variant Classification Sherloc (09022015). Collection method: clinical testing. Allele origin: germline.
Comment: This sequence change affects a donor splice site in intron 65 of the COL7A1 gene. It is expected to disrupt splicing. Variants that disrupt the donor or acceptor splice site typically lead to a loss of protein function (PMID: 16199547), and loss-of-function variants in COL7A1 are known to be disease-causing for autosomal recessive dystrophic epidermolysis bullosa (PMID: 16971478). However, certain variants affecting donor or acceptor splice sites in the triple helical domain of COL7A1 are expected to result in in-frame exon skipping and have been reported to cause autosomal dominant dystrophic epidermolysis bullosa (PMID: 31670143). This variant is not present in population databases (gnomAD no frequency). This variant has not been reported in the literature in individuals affected with COL7A1-related conditions. Algorithms developed to predict the effect of sequence changes on RNA splicing suggest that this variant may disrupt the consensus splice site. In summary, the currently available evidence indicates that the variant is pathogenic, but additional data are needed to prove that conclusively. Therefore, this variant has been classified as Likely Pathogenic.

Literature cited by the submitters: PubMed 16199547; PubMed 16971478; PubMed 31670143.

NM_000094.4(COL7A1):c.5568+1G>A

Gene: COL7A1 (collagen type VII alpha 1 chain; minus strand). Cytogenetic location: 3p21.31.
Variant type: single nucleotide variant.
Coding change: c.5568+1G>A on transcript NM_000094.4 (MANE Select); the canonical splice donor site of the intron after coding-DNA position 5568, G replaced by A.
Molecular consequence: splice donor variant.
Genome position (GRCh38, 1-based): chr3:48,576,991, C>T on the plus strand (G>A on the coding strand, the complement: COL7A1 is on the minus strand). VCF-style: chr3-48576991-C-T. GRCh37 (hg19) VCF-style: chr3-48614424-C-T.
Identifiers: ClinVar variation 3648987 (VCV003648987.2).